The following is an entry in ClinVar:

NM_017763.6(RNF43):c.1517A>T (p.Asp506Val)

Gene: RNF43 (ring finger protein 43; minus strand). Cytogenetic location: 17q22.
Variant type: single nucleotide variant.
Coding change: c.1517A>T on transcript NM_017763.6 (MANE Select); coding-DNA position 1517, A replaced by T.
Protein change: p.Asp506Val; replaces aspartic acid 506 with valine.
Molecular consequence: missense variant.
Genome position (GRCh38, 1-based): chr17:58,358,259, T>A on the plus strand (A>T on the coding strand, the complement: RNF43 is on the minus strand). VCF-style: chr17-58358259-T-A. GRCh37 (hg19) VCF-style: chr17-56435620-T-A.
Other names: c.1517A>T, p.Asp506Val (NM_001305544.3, NM_001438820.1, NM_001438821.1 and 1 more transcripts); c.1136A>T, p.Asp379Val (NM_001305545.2, NM_001437987.1); short protein forms D379V, D506V.
Identifiers: ClinVar variation 4155810 (VCV004155810.1).

ClinVar aggregate classification (germline): Uncertain significance (1 of 4 stars; one submission).

Submission:

Ambry Genetics
Classification: Uncertain significance. Last evaluated: 2025-09-02. Review status: criteria provided, single submitter. Criteria: Ambry Variant Classification Scheme 2023. Collection method: clinical testing. Allele origin: germline.
Comment: The p.D506V variant (also known as c.1517A>T), located in coding exon 8 of the RNF43 gene, results from an A to T substitution at nucleotide position 1517. The aspartic acid at codon 506 is replaced by valine, an amino acid with highly dissimilar properties. This amino acid position is conserved. In addition, the in silico prediction for this alteration is inconclusive. Based on the available evidence, the clinical significance of this variant remains unclear.